The following is an entry in ClinVar:

ClinVar aggregate classification (germline): Conflicting classifications of pathogenicity. Review status: criteria provided, conflicting classifications (1 of 4 stars). 3 submissions from 3 submitters: Uncertain significance (1); Likely benign (1). 1 of the submissions does not count toward it. Last evaluated 2026-02-27.

Conditions:
Luscan-Lumish syndrome. Identifiers: Orphanet 597738, MedGen C4085873, MONDO:0014791, OMIM 616831.
Congenital portosystemic shunt. Identifiers: Orphanet 480531, MedGen C1290495, MONDO:0018811.
SETD2-related disorder.

Allele frequency attached by ClinVar (database versions not stated): gnomAD 0.00015 and 0.00009; gnomAD exomes 0.00029 and 0.00015; 1000 Genomes Project 0.00040; 1000 Genomes Project 30x 0.00047; ExAC 0.00017; ESP Exome Variant Server 0.00008; TOPMed 0.00011.
gnomAD v4.1: 432 of 1,613,568 alleles (0.027%); highest among the groups gnomAD compares: East Asian, 0.62%; 1 homozygote.

Submissions (3):

Department of Pediatrics, Graduate School of Medical Sciences, Kyushu University
Classification: Uncertain significance for Congenital portosystemic shunt. Last evaluated: 2026-02-27. Review status: criteria provided, single submitter. Criteria: ACMG Guidelines, 2015. Collection method: research. Allele origin: germline. Affected: yes.
Comment: These variants are rare or absent in population databases such as gnomAD, and in silico prediction tools including CADD suggest potential deleterious effects. However, the relationship between this gene and CPSS has not been established. Therefore, the clinical significance of this variant is currently classified as a variant of uncertain significance (VUS).

Labcorp Genetics (formerly Invitae), Labcorp
Classification: Likely benign for Luscan-Lumish syndrome. Last evaluated: 2024-05-15. Review status: criteria provided, single submitter. Criteria: Invitae Variant Classification Sherloc (09022015). Collection method: clinical testing. Allele origin: germline.

PreventionGenetics, part of Exact Sciences
Classification: Likely benign for SETD2-related condition. Last evaluated: 2023-12-06. Review status: no assertion criteria provided. Collection method: clinical testing. Allele origin: germline. Not counted in ClinVar's aggregate classification.
Comment: This variant is classified as likely benign based on ACMG/AMP sequence variant interpretation guidelines (Richards et al. 2015 PMID: 25741868, with internal and published modifications).

NM_014159.7(SETD2):c.7261A>G (p.Thr2421Ala)

Gene: SETD2 (SET domain containing 2, histone lysine methyltransferase; minus strand). Cytogenetic location: 3p21.31.
Variant type: single nucleotide variant.
Coding change: c.7261A>G on transcript NM_014159.7 (MANE Select); coding-DNA position 7261, A replaced by G.
Protein change: p.Thr2421Ala; replaces threonine 2421 with alanine.
Molecular consequence: missense variant. On other transcripts: non-coding transcript variant (1).
Genome position (GRCh38, 1-based): chr3:47,037,755, T>C on the plus strand (A>G on the coding strand, the complement: SETD2 is on the minus strand). VCF-style: chr3-47037755-T-C. GRCh37 (hg19) VCF-style: chr3-47079245-T-C.
Other names: c.7129A>G, p.Thr2377Ala (NM_001349370.3); c.7261A>G (NM_014159.6); short protein forms T2377A, T2421A.
Identifiers: ClinVar variation 1131764 (VCV001131764.10), dbSNP rs76132393, ClinGen allele CA2362534.
Genomic context (GRCh38, chr3:47,037,755, plus strand): 5'-TTCCCAGGTCCATCTCAGCTTCATGCTCAAGGCTGGCATCATCTCCTGGGCTTTCCCAAG[T>C]AGGAGGATCCCACTGAGTCTGCCTAGAAAGAGACAAAAACAGCCATGCTGTCAGGGCTAG-3'
Protein context (NP_054878.5, residues 2411-2431): ITRQTQWDPP[Thr2421Ala]WESPGDDASL